The following is an entry in ClinVar:

NM_002458.3(MUC5B):c.8966C>T (p.Thr2989Met)

Genes: MUC5B (mucin 5B, oligomeric mucus/gel-forming; plus strand), MUC5B-AS1 (MUC5B antisense RNA 1; minus strand). Cytogenetic location: 11p15.5.
Variant type: single nucleotide variant.
Coding change: c.8966C>T on transcript NM_002458.3 (MANE Select); coding-DNA position 8966, C replaced by T.
Protein change: p.Thr2989Met; replaces threonine 2989 with methionine.
Molecular consequence: missense variant.
Genome position (GRCh38, 1-based): chr11:1,245,846, C>T. VCF-style: chr11-1245846-C-T. GRCh37 (hg19) VCF-style: chr11-1267076-C-T.
Other names: short protein forms T2989M.
Identifiers: ClinVar variation 2400368 (VCV002400368.7), dbSNP rs201764494, ClinGen allele CA5806786.

ClinVar aggregate classification (germline): Conflicting classifications of pathogenicity. Review status: criteria provided, conflicting classifications (1 of 4 stars). 2 submissions from 2 submitters: Uncertain significance (1); Likely benign (1). Last evaluated 2026-01-01.

Allele frequency attached by ClinVar (database versions not stated): gnomAD 0.00031; ExAC 0.00033; TOPMed 0.00038; ESP Exome Variant Server 0.00048.
gnomAD v4.1: 1,374 of 1,613,426 alleles (0.085%); highest among the groups gnomAD compares: Non-Finnish European, 0.11%; 5 homozygotes.

Submissions (2):

CeGaT Center for Human Genetics Tuebingen
Classification: Likely benign. Last evaluated: 2026-01-01. Review status: criteria provided, single submitter. Criteria: CeGaT Center For Human Genetics Tuebingen Variant Classification Criteria Version 2. Collection method: clinical testing. Allele origin: germline. Affected: yes. Observed: 1 variant allele.
Comment: MUC5B: BP4, BS2

Ambry Genetics
Classification: Uncertain significance. Last evaluated: 2021-08-02. Review status: criteria provided, single submitter. Criteria: Ambry Variant Classification Scheme 2023. Collection method: clinical testing. Allele origin: germline.